The following is an entry in ClinVar:

ClinVar aggregate classification (germline): Uncertain significance (1 of 4 stars; one submission).

Submission:

CeGaT Center for Human Genetics Tuebingen
Classification: Uncertain significance. Last evaluated: 2024-01-01. Review status: criteria provided, single submitter. Criteria: CeGaT Center For Human Genetics Tuebingen Variant Classification Criteria Version 2. Collection method: clinical testing. Allele origin: germline. Affected: yes. Observed: 1 variant allele.
Comment: BICRA: PM2

NM_001394372.1(BICRA):c.4606C>G (p.Pro1536Ala)

Gene: BICRA (BRD4 interacting chromatin remodeling complex associated protein; plus strand). Cytogenetic location: 19q13.33.
Variant type: single nucleotide variant.
Coding change: c.4606C>G on transcript NM_001394372.1 (MANE Select); coding-DNA position 4606, C replaced by G.
Protein change: p.Pro1536Ala; replaces proline 1536 with alanine.
Molecular consequence: missense variant.
Genome position (GRCh38, 1-based): chr19:47,702,338, C>G. VCF-style: chr19-47702338-C-G. GRCh37 (hg19) VCF-style: chr19-48205595-C-G.
Other names: c.4606C>G, p.Pro1536Ala (NM_015711.3); short protein forms P1536A.
Identifiers: ClinVar variation 3026877 (VCV003026877.22), dbSNP rs746573370, ClinGen allele CA406617832.